The following is an entry in ClinVar:

ClinVar aggregate classification (germline): Uncertain significance. Review status: criteria provided, multiple submitters, no conflicts (2 of 4 stars). 4 submissions from 3 submitters: Uncertain significance (3). 1 of the submissions does not count toward it. Last evaluated 2023-11-04.

Conditions:
Retinitis pigmentosa 39 (RP39). Identifiers: Orphanet 791, MedGen C3151138, MONDO:0013436, OMIM 613809.
Usher syndrome type 2A. Also called: RETINAL DISEASE IN USHER SYNDROME TYPE IIA, MODIFIER OF; USHER SYNDROME, TYPE IIA. Identifiers: Orphanet 231178, Orphanet 886, MedGen C1848634, MONDO:0010169, OMIM 276901.

Submissions (4):

Genome-Nilou Lab
Classification: Uncertain significance for Retinitis pigmentosa 39. Last evaluated: 2023-11-04. Review status: criteria provided, single submitter. Criteria: ACMG Guidelines, 2015. Collection method: clinical testing. Allele origin: germline. Affected: no.

Genome-Nilou Lab
Classification: Uncertain significance for Usher syndrome type 2A. Last evaluated: 2023-11-04. Review status: criteria provided, single submitter. Criteria: ACMG Guidelines, 2015. Collection method: clinical testing. Allele origin: germline. Affected: no.

Laboratory for Molecular Medicine, Mass General Brigham Personalized Medicine
Classification: Uncertain significance. Last evaluated: 2011-03-08. Review status: criteria provided, single submitter. Criteria: LMM Criteria. Collection method: clinical testing. Allele origin: germline. Observed: 1 variant allele.
Comment: The Ile3883Met variant in USH2A has not been reported in the literature nor prev iously identified by our laboratory. Computational analyses (biochemical amino a cid properties, homology, PolyPhen, SIFT, AlignGVGD) do not provide strong suppo rt for or against pathogenicity. In summary, the clinical significance of this v ariant cannot be determined with certainty at this time.

Counsyl
Classification: Uncertain significance for Usher syndrome type 2A; Retinitis pigmentosa 39. Last evaluated: 2017-07-11. Review status: no assertion criteria provided. Collection method: clinical testing. Allele origin: unknown. Not counted in ClinVar's aggregate classification.

NM_206933.4(USH2A):c.11649A>G (p.Ile3883Met)

Gene: USH2A (usherin; minus strand). Cytogenetic location: 1q41.
Variant type: single nucleotide variant.
Coding change: c.11649A>G on transcript NM_206933.4 (MANE Select); coding-DNA position 11649, A replaced by G.
Protein change: p.Ile3883Met; replaces isoleucine 3883 with methionine.
Molecular consequence: missense variant.
Genome position (GRCh38, 1-based): chr1:215,741,437, T>C on the plus strand (A>G on the coding strand, the complement: USH2A is on the minus strand). VCF-style: chr1-215741437-T-C. GRCh37 (hg19) VCF-style: chr1-215914779-T-C.
Other names: short protein forms I3883M.
Identifiers: ClinVar variation 48379 (VCV000048379.7), dbSNP rs397517975, ClinGen allele CA143263.